The following is an entry in ClinVar:

NC_012920.1(MT-CYB):m.14784T>C

Gene: MT-CYB (mitochondrially encoded cytochrome b; plus strand).
Variant type: single nucleotide variant.
Genome position: chrM-14784-T-C.
Identifiers: ClinVar variation 143866 (VCV000143866.3), dbSNP rs527236163, ClinGen allele CA170520.
Genomic context (GRCh38, chrMT:14,784, plus strand): 5'-GTATTTCAACTACAAGAACACCAATGACCCCAATACGCAAAACTAACCCCCTAATAAAAT[T>C]AATTAACCACTCATTCATCGACCTCCCCACCCCATCCAACATCTCCGCATGATGAAACTT-3'

ClinVar aggregate classification (germline): Benign. Review status: criteria provided, single submitter (1 of 4 stars). 2 submissions from 2 submitters: Benign (1). 1 of the submissions does not count toward it. Last evaluated 2022-05-04.

Conditions:
Ovarian neoplasm. Also called: Ovarian tumor; Neoplasm of ovary; Ovarian Neoplasms. Identifiers: MedGen C0919267, MeSH D010051, MONDO:0021068, HP:0100615.

Submissions (2):

Mendelics
Classification: Benign. Last evaluated: 2022-05-04. Review status: criteria provided, single submitter. Criteria: Mendelics Assertion Criteria 2019. Collection method: clinical testing. Allele origin: germline.

Department of Zoology Govt. MVM College
Classification: Likely pathogenic for Neoplasm of ovary. Review status: no assertion criteria provided. Collection method: not provided. Allele origin: unknown. Not counted in ClinVar's aggregate classification.
Comment: KM276952
ClinVar note: Converted during submission from probable-pathogenic to Likely pathogenic.